The following is an entry in ClinVar:

NM_020975.6(RET):c.3179A>C (p.Lys1060Thr)

Gene: RET (ret proto-oncogene; plus strand). Cytogenetic location: 10q11.21.
Variant type: single nucleotide variant.
Coding change: c.3179A>C on transcript NM_020975.6 (MANE Select); coding-DNA position 3179, A replaced by C.
Protein change: p.Lys1060Thr; replaces lysine 1060 with threonine.
Molecular consequence: missense variant. On other transcripts: intron variant (4).
Genome position (GRCh38, 1-based): chr10:43,126,714, A>C. VCF-style: chr10-43126714-A-C. GRCh37 (hg19) VCF-style: chr10-43622162-A-C.
Other names: c.3179A>C, p.Lys1060Thr (NM_001406743.1, NM_001406744.1, NM_020630.7); c.3050A>C, p.Lys1017Thr (NM_001406761.1, NM_001406762.1, NM_001406764.1); c.3044A>C, p.Lys1015Thr (NM_001406763.1, NM_001406765.1); c.2891A>C, p.Lys964Thr (NM_001406766.1, NM_001406767.1, NM_001406770.1); c.2915A>C, p.Lys972Thr (NM_001406768.1); c.2417A>C, p.Lys806Thr (NM_001355216.2); c.2783A>C, p.Lys928Thr (NM_001406769.1, NM_001406772.1); c.2741A>C, p.Lys914Thr (NM_001406771.1, NM_001406773.1); and 13 more; short protein forms K1015T, K721T, K730T, K818T, K885T, K972T, K1017T, K718T.
Identifiers: ClinVar variation 5028177 (VCV005028177.1).
Genomic context (GRCh38, chr10:43,126,714, plus strand): 5'-TGGTGGACTGTAATAATGCCCCCCTCCCTCGAGCCCTCCCTTCCACATGGATTGAAAACA[A>C]ACTCTATGGTAGAATTTCCCATGCATTTACTAGATTCTAGCACCGCTGTCCCCTTTGCAC-3'
Protein context (NP_066124.1, residues 1050-1070): RALPSTWIEN[Lys1060Thr]LYGMSDPNWP

ClinVar aggregate classification (germline): Uncertain significance (1 of 4 stars; one submission).

Conditions:
Hereditary cancer-predisposing syndrome. Also called: Neoplastic Syndromes, Hereditary; Tumor predisposition; Hereditary neoplastic syndrome; Hereditary Cancer Syndrome. Identifiers: Orphanet 140162, MedGen C0027672, MeSH D009386, MONDO:0015356.

Submission:

Ambry Genetics
Classification: Uncertain significance for Hereditary cancer-predisposing syndrome. Last evaluated: 2026-07-07. Review status: criteria provided, single submitter. Criteria: Ambry Variant Classification Scheme 2023. Collection method: clinical testing. Allele origin: germline.
Comment: The p.K1060T variant (also known as c.3179A>C), located in coding exon 19 of the RET gene, results from an A to C substitution at nucleotide position 3179. The lysine at codon 1060 is replaced by threonine, an amino acid with similar properties. This amino acid position is conserved. In addition, this alteration is predicted to be deleterious by in silico analysis. Based on the available evidence, the clinical significance of this variant remains unclear.